The following is an entry in ClinVar:

NM_014588.6(VSX1):c.659G>A (p.Arg220His)

Gene: VSX1 (visual system homeobox 1; minus strand). Cytogenetic location: 20p11.21.
Variant type: single nucleotide variant.
Coding change: c.659G>A on transcript NM_014588.6 (MANE Select); coding-DNA position 659, G replaced by A.
Protein change: p.Arg220His; replaces arginine 220 with histidine.
Molecular consequence: missense variant. On other transcripts: 5 prime UTR variant (1), non-coding transcript variant (4), intron variant (1).
Genome position (GRCh38, 1-based): chr20:25,077,834, C>T on the plus strand (G>A on the coding strand, the complement: VSX1 is on the minus strand). VCF-style: chr20-25077834-C-T. GRCh37 (hg19) VCF-style: chr20-25058470-C-T.
Other names: c.659G>A, p.Arg220His (NM_001256272.2); c.-35G>A (NM_001378633.1); c.627+995G>A (NM_001256271.2); short protein forms R220H.
Identifiers: ClinVar variation 2628880 (VCV002628880.1), dbSNP rs2515065946, ClinGen allele CA408434650.

ClinVar aggregate classification (germline): Uncertain significance (1 of 4 stars; one submission).

Conditions:
VSX1-related disorder. Also called: VSX1-related condition.

gnomAD v4.1: 4 of 1,551,876 alleles (0.00026%); highest among the groups gnomAD compares: African/African-American, 0.0027%; 1 homozygote.

Submission:

PreventionGenetics, part of Exact Sciences
Classification: Uncertain significance for VSX1-related condition. Last evaluated: 2023-10-11. Review status: criteria provided, single submitter. Criteria: ACMG Guidelines, 2015. Collection method: clinical testing. Allele origin: germline.
Comment: The VSX1 c.659G>A variant is predicted to result in the amino acid substitution p.Arg220His. To our knowledge, this variant has not been reported in the literature or in a large population database, indicating this variant is rare. At this time, the clinical significance of this variant is uncertain due to the absence of conclusive functional and genetic evidence.